The following is an entry in ClinVar:

ClinVar aggregate classification (germline): Uncertain significance (1 of 4 stars; one submission).

Submission:

Labcorp Genetics (formerly Invitae), Labcorp
Classification: Uncertain significance. Last evaluated: 2024-04-10. Review status: criteria provided, single submitter. Criteria: Invitae Variant Classification Sherloc (09022015). Collection method: clinical testing. Allele origin: germline.
Comment: This variant, c.3866_3868del, results in the deletion of 1 amino acid(s) of the BRD4 protein (p.Gln1289del), but otherwise preserves the integrity of the reading frame. The frequency data for this variant in the population databases is considered unreliable, as metrics indicate poor data quality at this position in the gnomAD database. This variant has not been reported in the literature in individuals affected with BRD4-related conditions. Experimental studies and prediction algorithms are not available or were not evaluated, and the functional significance of this variant is currently unknown. In summary, the available evidence is currently insufficient to determine the role of this variant in disease. Therefore, it has been classified as a Variant of Uncertain Significance.

NM_001379291.1(BRD4):c.3851AGC[5] (p.Gln1289del)

Gene: BRD4 (bromodomain containing 4; minus strand). Cytogenetic location: 19p13.12.
Variant type: Microsatellite.
Coding change: c.3851AGC[5] on transcript NM_001379291.1 (MANE Select); five copies in a row of the 3-base unit AGC starting at c.3851; the reference has six copies in a row; one copy, 3 bases deleted.
Protein change: p.Gln1289del; deletes glutamine 1289.
Molecular consequence: inframe deletion.
Genome position (GRCh38, 1-based): chr19:15,238,895-15,238,897, GCT deleted on the plus strand (AGC on the coding strand, the reverse complement: BRD4 is on the minus strand); deleting any 3 consecutive bases within chr19:15,238,895-15,238,912 gives the same sequence; the position shown is the placement nearest the transcript's 3' end. VCF-style (leftmost placement, unchanged base first): chr19-15238894-CGCT-C. GRCh37 (hg19) VCF-style: chr19-15349705-CGCT-C.
Other names: c.3851AGC[5], p.Gln1289del (NM_058243.3); short protein forms Q1289del.
Identifiers: ClinVar variation 2852734 (VCV002852734.3), dbSNP rs748141481, ClinGen allele CA9264504.